The following is an entry in ClinVar:

NM_016203.4(PRKAG2):c.1429G>A (p.Asp477Asn)

Gene: PRKAG2 (protein kinase AMP-activated non-catalytic subunit gamma 2; minus strand). Cytogenetic location: 7q36.1.
Variant type: single nucleotide variant.
Coding change: c.1429G>A on transcript NM_016203.4 (MANE Select); coding-DNA position 1429, G replaced by A.
Protein change: p.Asp477Asn; replaces aspartic acid 477 with asparagine.
Molecular consequence: missense variant.
Genome position (GRCh38, 1-based): chr7:151,565,354, C>T on the plus strand (G>A on the coding strand, the complement: PRKAG2 is on the minus strand). VCF-style: chr7-151565354-C-T. GRCh37 (hg19) VCF-style: chr7-151262440-C-T.
Other names: c.1297G>A, p.Asp433Asn (NM_001040633.2, NM_001407024.1); c.1054G>A, p.Asp352Asn (NM_001304527.2, NM_001407029.1); c.706G>A, p.Asp236Asn (NM_001304531.2, NM_001407034.1, NM_001407035.1 and 1 more transcripts); c.1057G>A, p.Asp353Asn (NM_001363698.2, NM_001407028.1); c.1429G>A, p.Asp477Asn (NM_001407021.1); c.1426G>A, p.Asp476Asn (NM_001407022.1, NM_001407023.1); c.1294G>A, p.Asp432Asn (NM_001407026.1, NM_001407027.1); c.1141G>A, p.Asp381Asn (NM_001407030.1); and 6 more; short protein forms D235N, D236N, D252N, D256N, D352N, D353N, D369N, D371N.
Identifiers: ClinVar variation 2580743 (VCV002580743.1), dbSNP rs1264251788, ClinGen allele CA370070779.
Genomic context (GRCh38, chr7:151,565,354, plus strand): 5'-AATGTTTAAAATGCATTCTAGGTGACAGATTGAACAAAATTAAAATACTTACAATTACAT[C>T]AAATTTGGAATAAATATCTACAACTTTTCCTAAAAATGAAAAATATATGTTAGAAAAATG-3'
Protein context (NP_057287.2, residues 467-487): GKVVDIYSKF[Asp477Asn]VINLAAEKTY

ClinVar aggregate classification (germline): Uncertain significance (1 of 4 stars; one submission).

Allele frequency attached by ClinVar (database versions not stated): TOPMed below 0.00001; gnomAD 0.00001.

Submission:

GeneDx
Classification: Uncertain significance. Last evaluated: 2023-03-22. Review status: criteria provided, single submitter. Criteria: GeneDx Variant Classification Process June 2021. Collection method: clinical testing. Allele origin: germline. Affected: yes.
Comment: Not observed at significant frequency in large population cohorts (gnomAD); In silico analysis supports that this missense variant has a deleterious effect on protein structure/function; Has not been previously published as pathogenic or benign to our knowledge